The following is an entry in ClinVar:

ClinVar aggregate classification (germline): Uncertain significance (1 of 4 stars; one submission).

gnomAD v4.1: 1 of 1,613,976 alleles (0.000062%); highest among the groups gnomAD compares: Non-Finnish European, 0.000085%; no homozygotes.

Submission:

GeneDx
Classification: Uncertain significance. Last evaluated: 2021-12-09. Review status: criteria provided, single submitter. Criteria: GeneDx Variant Classification Process June 2021. Collection method: clinical testing. Allele origin: germline. Affected: yes.
Comment: Not observed at significant frequency in large population cohorts (gnomAD); In silico analysis supports that this missense variant has a deleterious effect on protein structure/function; Has not been previously published as pathogenic or benign to our knowledge; Variants in candidate genes are classified as variants of uncertain significance in accordance with ACMG guidelines (Richards et al., 2015)

NM_003660.4(PPFIA3):c.2600G>C (p.Ser867Thr)

Gene: PPFIA3 (PTPRF interacting protein alpha 3; plus strand). Cytogenetic location: 19q13.33.
Variant type: single nucleotide variant.
Coding change: c.2600G>C on transcript NM_003660.4 (MANE Select); coding-DNA position 2600, G replaced by C.
Protein change: p.Ser867Thr; replaces serine 867 with threonine.
Molecular consequence: missense variant. On other transcripts: non-coding transcript variant (1).
Genome position (GRCh38, 1-based): chr19:49,142,859, G>C. VCF-style: chr19-49142859-G-C. GRCh37 (hg19) VCF-style: chr19-49646116-G-C.
Other names: short protein forms S867T.
Identifiers: ClinVar variation 3342329 (VCV003342329.1).